The following is an entry in ClinVar:

NM_138927.4(SON):c.4057G>A (p.Glu1353Lys)

Gene: SON (SON DNA and RNA binding protein; plus strand). Cytogenetic location: 21q22.11.
Variant type: single nucleotide variant.
Coding change: c.4057G>A on transcript NM_138927.4 (MANE Select); coding-DNA position 4057, G replaced by A.
Protein change: p.Glu1353Lys; replaces glutamic acid 1353 with lysine.
Molecular consequence: missense variant. On other transcripts: non-coding transcript variant (1), intron variant (1).
Genome position (GRCh38, 1-based): chr21:33,553,288, G>A. VCF-style: chr21-33553288-G-A. GRCh37 (hg19) VCF-style: chr21-34925594-G-A.
Other names: c.4057G>A, p.Glu1353Lys (NM_001291411.2, NM_001412133.1, NM_032195.3 and 2 more transcripts); c.245-3868G>A (NM_001291412.3); short protein forms E1353K.
Identifiers: ClinVar variation 2995567 (VCV002995567.3), dbSNP rs758273176, ClinGen allele CA10009438.
Genomic context (GRCh38, chr21:33,553,288, plus strand): 5'-GCAGTAACTACTCCAGTGCTGGCAGAGAGCATTCTGGAGCCGCCAGCCATGGCTGCCCCA[G>A]AGTCTTCAGCTATGGCTGTCCTGGAGTCTTCGGCTGTGACCGTCCTGGAGTCTTCGACTG-3'
Protein context (NP_620305.3, residues 1343-1363): ILEPPAMAAP[Glu1353Lys]SSAMAVLESS

ClinVar aggregate classification (germline): Uncertain significance (1 of 4 stars; one submission).

Allele frequency attached by ClinVar (database versions not stated): TOPMed below 0.00001; gnomAD 0.00001; ExAC 0.00002.

Submission:

Labcorp Genetics (formerly Invitae), Labcorp
Classification: Uncertain significance. Last evaluated: 2022-11-01. Review status: criteria provided, single submitter. Criteria: Invitae Variant Classification Sherloc (09022015). Collection method: clinical testing. Allele origin: germline.
Comment: This sequence change replaces glutamic acid, which is acidic and polar, with lysine, which is basic and polar, at codon 1353 of the SON protein (p.Glu1353Lys). In summary, the available evidence is currently insufficient to determine the role of this variant in disease. Therefore, it has been classified as a Variant of Uncertain Significance. Algorithms developed to predict the effect of missense changes on protein structure and function are either unavailable or do not agree on the potential impact of this missense change (SIFT: "Deleterious"; PolyPhen-2: "Possibly Damaging"; Align-GVGD: "Class C0"). This variant has not been reported in the literature in individuals affected with SON-related conditions. This variant is present in population databases (rs758273176, gnomAD 0.02%).